The following is an entry in ClinVar:

NM_025114.4(CEP290):c.323G>A (p.Arg108Gln)

Gene: CEP290 (centrosomal protein 290; minus strand). Cytogenetic location: 12q21.32.
Variant type: single nucleotide variant.
Coding change: c.323G>A on transcript NM_025114.4 (MANE Select); coding-DNA position 323, G replaced by A.
Protein change: p.Arg108Gln; replaces arginine 108 with glutamine.
Molecular consequence: missense variant.
Genome position (GRCh38, 1-based): chr12:88,136,761, C>T on the plus strand (G>A on the coding strand, the complement: CEP290 is on the minus strand). VCF-style: chr12-88136761-C-T. GRCh37 (hg19) VCF-style: chr12-88530538-C-T.
Other names: short protein forms R108Q.
Identifiers: ClinVar variation 3358614 (VCV003358614.1).
Genomic context (GRCh38, chr12:88,136,761, plus strand): 5'-TCTTTTTGTTCTAATTGTTTTTCAAGTTGGCAAATTTCATTACGTAAAAACCGAGTATCT[C>T]GTCCACCTGCAGACTGCTGAGCCATCTTAAAGTAATAAACCCAAAGTATAAATTAATCCC-3'
Protein context (NP_079390.3, residues 98-118): LEMAQQSAGG[Arg108Gln]DTRFLRNEIC

ClinVar aggregate classification (germline): Uncertain significance (0 of 4 stars; one submission).

Conditions:
CEP290-related disorder. Also called: CEP290-related condition; CEP290-related disorders. Identifiers: MedGen CN239314.

gnomAD v4.1: 5 of 1,613,490 alleles (0.00031%); highest among the groups gnomAD compares: African/African-American, 0.0027%; no homozygotes.

Submission:

PreventionGenetics, part of Exact Sciences
Classification: Uncertain significance for CEP290-related condition. Last evaluated: 2024-04-03. Review status: no assertion criteria provided. Collection method: clinical testing. Allele origin: germline.
Comment: The CEP290 c.323G>A variant is predicted to result in the amino acid substitution p.Arg108Gln. To our knowledge, this variant has not been reported in the literature. This variant is reported in 0.0083% of alleles in individuals of African descent in gnomAD. At this time, the clinical significance of this variant is uncertain due to the absence of conclusive functional and genetic evidence.